The following is an entry in ClinVar:

ClinVar aggregate classification (germline): Benign. Review status: criteria provided, multiple submitters, no conflicts (2 of 4 stars). 3 submissions from 3 submitters: Benign (2). 1 of the submissions does not count toward it. Last evaluated 2019-12-31.

Conditions:
FRMD4A-related disorder. Also called: FRMD4A-related condition.

Allele frequency attached by ClinVar (database versions not stated): gnomAD exomes 0.00100 and 0.00286; ExAC 0.00349; 1000 Genomes Project 0.00899; 1000 Genomes Project 30x 0.00906; gnomAD 0.00975 and 0.01056; TOPMed 0.01134; ESP Exome Variant Server 0.01269.
gnomAD v4.1: 3,010 of 1,612,272 alleles (0.19%); highest among the groups gnomAD compares: African/African-American, 3.4%; 46 homozygotes.

Submissions (3):

Labcorp Genetics (formerly Invitae), Labcorp
Classification: Benign. Last evaluated: 2019-12-31. Review status: criteria provided, single submitter. Criteria: Invitae Variant Classification Sherloc (09022015). Collection method: clinical testing. Allele origin: germline.

Breakthrough Genomics
Classification: Benign. Review status: criteria provided, single submitter. Criteria: ACMG Guidelines, 2015. Collection method: not provided. Allele origin: germline. Inheritance: Autosomal recessive inheritance. Affected: yes.

PreventionGenetics, part of Exact Sciences
Classification: Benign for FRMD4A-related condition. Last evaluated: 2020-01-02. Review status: no assertion criteria provided. Collection method: clinical testing. Allele origin: germline. Not counted in ClinVar's aggregate classification.
Comment: This variant is classified as benign based on ACMG/AMP sequence variant interpretation guidelines (Richards et al. 2015 PMID: 25741868, with internal and published modifications).

NM_018027.5(FRMD4A):c.1693C>T (p.Leu565=)

Gene: FRMD4A (FERM domain containing 4A; minus strand). Cytogenetic location: 10p13.
Variant type: single nucleotide variant.
Coding change: c.1693C>T on transcript NM_018027.5 (MANE Select); coding-DNA position 1693, C replaced by T.
Protein change: p.Leu565=; no amino-acid change (leucine 565 retained).
Molecular consequence: synonymous variant.
Genome position (GRCh38, 1-based): chr10:13,660,521, G>A on the plus strand (C>T on the coding strand, the complement: FRMD4A is on the minus strand). VCF-style: chr10-13660521-G-A. GRCh37 (hg19) VCF-style: chr10-13702521-G-A.
Other names: c.1741C>T, p.Leu581= (NM_001318336.2); c.1792C>T, p.Leu598= (NM_001318337.2); c.766C>T, p.Leu256= (NM_001318338.2).
Identifiers: ClinVar variation 709945 (VCV000709945.7), dbSNP rs74123101, ClinGen allele CA5414256.